The following is an entry in ClinVar:

NM_000256.3(MYBPC3):c.3130C>G (p.Gln1044Glu)

Gene: MYBPC3 (myosin binding protein C3; minus strand). Cytogenetic location: 11p11.2.
Variant type: single nucleotide variant.
Coding change: c.3130C>G on transcript NM_000256.3 (MANE Select); coding-DNA position 3130, C replaced by G.
Protein change: p.Gln1044Glu; replaces glutamine 1044 with glutamic acid.
Molecular consequence: missense variant.
Genome position (GRCh38, 1-based): chr11:47,333,617, G>C on the plus strand (C>G on the coding strand, the complement: MYBPC3 is on the minus strand). VCF-style: chr11-47333617-G-C. GRCh37 (hg19) VCF-style: chr11-47355168-G-C.
Other names: c.3130C>G, p.Gln1044Glu (LRG_386t1); short protein forms Q1044E.
Identifiers: ClinVar variation 629732 (VCV000629732.4), dbSNP rs1565623421, ClinGen allele CA380314964.

ClinVar aggregate classification (germline): Uncertain significance (1 of 4 stars; one submission).

Conditions:
Cardiomyopathy (CMYO). Also called: Cardiomyopathies. Identifiers: Orphanet 167848, MedGen C0878544, MONDO:0004994, HP:0001638. Inheritance: Various modes of inheritance.

Submission:

Color Diagnostics, LLC DBA Color Health
Classification: Uncertain significance for Cardiomyopathy. Last evaluated: 2023-12-05. Review status: criteria provided, single submitter. Criteria: ACMG Guidelines, 2015. Collection method: clinical testing. Allele origin: germline.
Comment: Variant of Uncertain Significance due to insufficient evidence: This missense variant is located in the Ig-like domain C8 of the MYBPC3 protein. Computational prediction tools and conservation analyses suggest that this variant may not impact the protein function. Computational splicing tools suggest that this variant may not impact RNA splicing. To our knowledge, functional assays have not been performed for this variant nor has this variant been reported in individuals affected with cardiovascular disorders in the literature. This variant is rare in the general population and has been identified in 0/277264 chromosomes by the Genome Aggregation Database (gnomAD). Available evidence is insufficient to determine the pathogenicity of this variant conclusively.